The following is an entry in ClinVar:

ClinVar aggregate classification (germline): Conflicting classifications of pathogenicity. Review status: criteria provided, conflicting classifications (1 of 4 stars). 4 submissions from 4 submitters: Uncertain significance (1); Likely benign (2). 1 of the submissions does not count toward it. Last evaluated 2026-04-29.

Conditions:
CHRNA4-related disorder. Also called: CHRNA4-related condition.
Inborn genetic diseases. Identifiers: MedGen C0950123, MeSH D030342.

Allele frequency attached by ClinVar (database versions not stated): gnomAD 0.00094 and 0.00102; 1000 Genomes Project 0.00100; TOPMed 0.00112; ExAC 0.00010; 1000 Genomes Project 30x 0.00094.
gnomAD v4.1: 250 of 1,478,080 alleles (0.017%); highest among the groups gnomAD compares: African/African-American, 0.31%; 1 homozygote.

Submissions (4):

Women's Health and Genetics/Laboratory Corporation of America, LabCorp
Classification: Likely benign. Last evaluated: 2026-04-29. Review status: criteria provided, single submitter. Criteria: LabCorp Variant Classification Summary - May 2015. Collection method: clinical testing. Allele origin: germline.
Comment: Variant summary: CHRNA4 c.-1C>T is located in the untranslated mRNA region upstream of the initiation codon. The variant allele was found at a frequency of 0.00033 in 113542 control chromosomes, predominantly at a frequency of 0.003 within the African or African-American subpopulation in the gnomAD database. The observed variant frequency within African or African-American control individuals in the gnomAD database exceeds the estimated maximal expected allele frequency for disease-causing variants in CHRNA4. To our knowledge, no occurrence of c.-1C>T in individuals affected with CHRNA4-related conditions and no experimental evidence demonstrating its impact on protein function have been reported. ClinVar contains an entry for this variant (Variation ID: 205047). Based on the evidence outlined above, the variant was classified as likely benign.

GeneDx
Classification: Likely benign. Last evaluated: 2017-10-19. Review status: criteria provided, single submitter. Criteria: GeneDx Variant Classification (06012015). Collection method: clinical testing. Allele origin: germline. Affected: yes.
Comment: This variant is considered likely benign or benign based on one or more of the following criteria: it is a conservative change, it occurs at a poorly conserved position in the protein, it is predicted to be benign by multiple in silico algorithms, and/or has population frequency not consistent with disease.

Ambry Genetics
Classification: Uncertain significance for Inborn genetic diseases. Last evaluated: 2017-07-27. Review status: criteria provided, single submitter. Criteria: Ambry Variant Classification Scheme 2023. Collection method: clinical testing. Allele origin: germline.
Comment: The c.-1C>T variant is located in the 5' untranslated region (5&rsquo; UTR) of the CHRNA4 gene. This variant results from a C to T substitution 1 bases upstream from the first translated codon. This nucleotide position is highly conserved in available vertebrate species. Since supporting evidence is limited at this time, the clinical significance of this alteration remains unclear.

PreventionGenetics, part of Exact Sciences
Classification: Likely benign for CHRNA4-related condition. Last evaluated: 2020-03-23. Review status: no assertion criteria provided. Collection method: clinical testing. Allele origin: germline. Not counted in ClinVar's aggregate classification.
Comment: This variant is classified as likely benign based on ACMG/AMP sequence variant interpretation guidelines (Richards et al. 2015 PMID: 25741868, with internal and published modifications).

NM_000744.7(CHRNA4):c.-1C>T

Genes: CHRNA4 (cholinergic receptor nicotinic alpha 4 subunit; minus strand), LOC100130587 (uncharacterized LOC100130587; plus strand). Cytogenetic location: 20q13.33.
Variant type: single nucleotide variant.
Coding change: c.-1C>T on transcript NM_000744.7 (MANE Select); 1 bases upstream of the start codon, C replaced by T.
Molecular consequence: 5 prime UTR variant. On other transcripts: non-coding transcript variant (1), intron variant (1).
Genome position (GRCh38, 1-based): chr20:63,361,166, G>A on the plus strand (C>T on the coding strand, the complement: CHRNA4 is on the minus strand). VCF-style: chr20-63361166-G-A. GRCh37 (hg19) VCF-style: chr20-61992518-G-A.
Other names: c.-1C>T (NM_000744.6); c.-471+11C>T (NM_001256573.2).
Identifiers: ClinVar variation 205047 (VCV000205047.6), dbSNP rs200524076, ClinGen allele CA313613.